The following is an entry in ClinVar:

NM_020549.5(CHAT):c.1840-2A>G

Gene: CHAT (choline O-acetyltransferase; plus strand). Cytogenetic location: 10q11.23.
Variant type: single nucleotide variant.
Coding change: c.1840-2A>G on transcript NM_020549.5 (MANE Select); the canonical splice acceptor site of the intron before coding-DNA position 1840, A replaced by G.
Molecular consequence: splice acceptor variant.
Genome position (GRCh38, 1-based): chr10:49,662,643, A>G. VCF-style: chr10-49662643-A-G. GRCh37 (hg19) VCF-style: chr10-50870689-A-G.
Other names: c.1486-2A>G (NM_020984.4, NM_020985.4, NM_020986.4 and 2 more transcripts); c.1594-2A>G (NM_001142933.2).
Identifiers: ClinVar variation 4692886 (VCV004692886.1).
Genomic context (GRCh38, chr10:49,662,643, plus strand): 5'-GGGAACAAGGAGGTGCAGGAGGCCCACTTCTCATCTCCTGTTCTTTGTCCCCAACTACAC[A>G]GGCCATAACAGGGATGGCCATTGACAACCACCTGCTGGCACTGCGGGAGCTGGCCCGGGC-3'

ClinVar aggregate classification (germline): Likely pathogenic (1 of 4 stars; one submission).

Conditions:
Familial infantile myasthenia (CMS6). Also called: MYASTHENIC SYNDROME, CONGENITAL, 6, PRESYNAPTIC; Congenital myasthenic syndrome type 6; MYASTHENIC SYNDROME, PRESYNAPTIC, CONGENITAL, ASSOCIATED WITH EPISODIC APNEA. Identifiers: Orphanet 590, MedGen C0393929, MONDO:0009689, OMIM 254210.

gnomAD v4.1: 6 of 1,614,106 alleles (0.00037%); highest among the groups gnomAD compares: Non-Finnish European, 0.00051%; no homozygotes.

Submission:

Labcorp Genetics (formerly Invitae), Labcorp
Classification: Likely pathogenic for Familial infantile myasthenia. Last evaluated: 2026-01-11. Review status: criteria provided, single submitter. Criteria: Invitae Variant Classification Sherloc (09022015). Collection method: clinical testing. Allele origin: germline.
Comment: This sequence change affects an acceptor splice site in intron 13 of the CHAT gene. It is expected to disrupt RNA splicing. Variants that disrupt the donor or acceptor splice site typically lead to a loss of protein function (PMID: 16199547), and loss-of-function variants in CHAT are known to be pathogenic (PMID: 12548525, 21786365, 23292760). This variant is not present in population databases (gnomAD no frequency). This variant has not been reported in the literature in individuals affected with CHAT-related conditions. Algorithms developed to predict the effect of sequence changes on RNA splicing suggest that this variant may disrupt the consensus splice site. In summary, the currently available evidence indicates that the variant is pathogenic, but additional data are needed to prove that conclusively. Therefore, this variant has been classified as Likely Pathogenic.

Literature cited by the submitters: PubMed 16199547; PubMed 12548525; PubMed 21786365; PubMed 23292760.